The following is an entry in ClinVar:

NM_000135.4(FANCA):c.1038G>C (p.Trp346Cys)

Gene: FANCA (FA complementation group A; minus strand). Cytogenetic location: 16q24.3.
Variant type: single nucleotide variant.
Coding change: c.1038G>C on transcript NM_000135.4 (MANE Select); coding-DNA position 1038, G replaced by C.
Protein change: p.Trp346Cys; replaces tryptophan 346 with cysteine.
Molecular consequence: missense variant.
Genome position (GRCh38, 1-based): chr16:89,792,516, C>G on the plus strand (G>C on the coding strand, the complement: FANCA is on the minus strand). VCF-style: chr16-89792516-C-G. GRCh37 (hg19) VCF-style: chr16-89858924-C-G.
Other names: c.1038G>C (LRG_495t1, NM_000135.3); c.1038G>C, p.Trp346Cys (NM_001286167.3); short protein forms W346C.
Identifiers: ClinVar variation 554900 (VCV000554900.9), dbSNP rs750257902, ClinGen allele CA8252555.
Genomic context (GRCh38, chr16:89,792,516, plus strand): 5'-ACCACATCCACTCACCCTGCGGTACAGTGAGGTGAGCAGAGGGTGTGTCCGCGCAAAGCT[C>G]CACTCTCTCTGCATCTGAACAGCATCAGATGCTGCAGGGGGAGAAACAGACAAAAACTTC-3'
Protein context (NP_000126.2, residues 336-356): ASDAVQMQRE[Trp346Cys]SFARTHPLLT

ClinVar aggregate classification (germline): Conflicting classifications of pathogenicity. Review status: criteria provided, conflicting classifications (1 of 4 stars). 4 submissions from 4 submitters: Uncertain significance (2); Likely benign (1). 1 of the submissions does not count toward it. Last evaluated 2026-02-01.

Conditions:
Fanconi anemia complementation group A (FANCA). Also called: FANCA-Related Fanconi Anemia; Fanconi anemia, group A. Identifiers: Orphanet 84, MedGen C3469521, MONDO:0009215, OMIM 227650.
Fanconi anemia (FA). Also called: Fanconi's anemia. Identifiers: Orphanet 84, MedGen C0015625, MeSH D005199, MONDO:0019391.

Allele frequency attached by ClinVar (database versions not stated): gnomAD 0.00002; gnomAD exomes 0.00002 and 0.00012; TOPMed 0.00002; ExAC 0.00007.
gnomAD v4.1: 40 of 1,613,340 alleles (0.0025%); highest among the groups gnomAD compares: Admixed American, 0.053%; no homozygotes.

Submissions (4):

Labcorp Genetics (formerly Invitae), Labcorp
Classification: Likely benign for Fanconi anemia. Last evaluated: 2026-02-01. Review status: criteria provided, single submitter. Criteria: Invitae Variant Classification Sherloc (09022015). Collection method: clinical testing. Allele origin: germline.

Quest Diagnostics Nichols Institute San Juan Capistrano
Classification: Uncertain significance. Last evaluated: 2024-03-05. Review status: criteria provided, single submitter. Criteria: Quest Diagnostics criteria. Collection method: clinical testing. Allele origin: unknown.
Comment: The FANCA c.1038G>C (p.Trp346Cys) variant has been reported in at least one individual with breast cancer (PMID: 28202063 (2017)). The frequency of this variant in the general population, 0.00081 (28/34588 chromosomes in Latino/Admixed American subpopulation), is higher than would generally be expected for pathogenic variants in this gene. Analysis of this variant using bioinformatics tools for the prediction of the effect of amino acid changes on protein structure and function yielded conflicting predictions that this variant is disease causing or benign. Based on the available information, we are unable to determine the clinical significance of this variant.

Fulgent Genetics
Classification: Uncertain significance for Fanconi anemia complementation group A. Last evaluated: 2018-10-31. Review status: criteria provided, single submitter. Criteria: ACMG Guidelines, 2015. Collection method: clinical testing. Allele origin: unknown.

Counsyl
Classification: Uncertain significance for Fanconi anemia complementation group A. Last evaluated: 2017-11-08. Review status: no assertion criteria provided. Collection method: clinical testing. Allele origin: unknown. Not counted in ClinVar's aggregate classification.

Literature cited by the submitters: PubMed 28202063 (cited by Quest Diagnostics Nichols Institute San Juan Capistrano).